The following is an entry in ClinVar:

NM_000038.6(APC):c.3393AGA[1] (p.Glu1132del)

Gene: APC (APC regulator of Wnt signaling pathway; plus strand). Cytogenetic location: 5q22.2.
Variant type: Microsatellite.
Coding change: c.3393AGA[1] on transcript NM_000038.6 (MANE Select); one copy of the 3-base unit AGA starting at c.3393; the reference has two copies in a row; one copy, 3 bases deleted; also written c.3396_3398del.
Protein change: p.Glu1132del; deletes glutamic acid 1132.
Molecular consequence: inframe deletion.
Genome position (GRCh38, 1-based): chr5:112,838,990-112,838,992, AGA deleted; deleting any 3 consecutive bases within chr5:112,838,986-112,838,992 gives the same sequence; the position shown is the placement nearest the transcript's 3' end. VCF-style (leftmost placement, unchanged base first): chr5-112838985-CAAG-C. GRCh37 (hg19) VCF-style: chr5-112174682-CAAG-C.
Other names: c.3396_3398del (NM_000038.5); c.3393AGA[1], p.Glu1132del (NM_001127510.3, NM_001354895.2); c.3339AGA[1], p.Glu1114del (NM_001127511.3); c.3447AGA[1], p.Glu1150del (NM_001354896.2); c.3423AGA[1], p.Glu1142del (NM_001354897.2); c.3318AGA[1], p.Glu1107del (NM_001354898.2); c.3309AGA[1], p.Glu1104del (NM_001354899.2); c.3270AGA[1], p.Glu1091del (NM_001354900.2); and 6 more; short protein forms E1132del, E1114del, E1104del, E1031del, E1041del, E1091del, E1107del, E1142del.
Identifiers: ClinVar variation 537409 (VCV000537409.14), dbSNP rs1554084984, ClinGen allele CA658796580.
Genomic context (GRCh38, chr5:112,838,985, plus strand): 5'-GAAACAAATCGAGTGGGTTCTAATCATGGAATTAATCAAAATGTAAGCCAGTCTTTGTGT[CAAG>C]AAGATGACTATGAAGATGATAAGCCTACCAATTATAGTGAACGTTACTCTGAAGAAGAAC-3'

ClinVar aggregate classification (germline): Uncertain significance. Review status: criteria provided, multiple submitters, no conflicts (2 of 4 stars). 2 submissions from 2 submitters: Uncertain significance (2). Last evaluated 2025-12-03.

Conditions:
Hereditary cancer-predisposing syndrome. Also called: Tumor predisposition; Hereditary Cancer Syndrome; Hereditary neoplastic syndrome; Neoplastic Syndromes, Hereditary. Identifiers: Orphanet 140162, MedGen C0027672, MeSH D009386, MONDO:0015356.
Familial adenomatous polyposis 1 (FAP1). Also called: FAMILIAL ADENOMATOUS POLYPOSIS 1, ATTENUATED; POLYPOSIS, ADENOMATOUS INTESTINAL. Identifiers: MedGen C2713442, MONDO:0021056, OMIM 175100. Disease mechanism: loss of function.

Submissions (2):

Labcorp Genetics (formerly Invitae), Labcorp
Classification: Uncertain significance for Familial adenomatous polyposis 1. Last evaluated: 2025-12-03. Review status: criteria provided, single submitter. Criteria: Invitae Variant Classification Sherloc (09022015). Collection method: clinical testing. Allele origin: germline.
Comment: This variant, c.3396_3398del, results in the deletion of 1 amino acid(s) of the APC protein (p.Glu1132del), but otherwise preserves the integrity of the reading frame. This variant is not present in population databases (gnomAD no frequency). This variant has not been reported in the literature in individuals affected with APC-related conditions. ClinVar contains an entry for this variant (Variation ID: 537409). Experimental studies and prediction algorithms are not available or were not evaluated, and the functional significance of this variant is currently unknown. In summary, the available evidence is currently insufficient to determine the role of this variant in disease. Therefore, it has been classified as a Variant of Uncertain Significance.

Ambry Genetics
Classification: Uncertain significance for Hereditary cancer-predisposing syndrome. Last evaluated: 2024-02-29. Review status: criteria provided, single submitter. Criteria: Ambry Variant Classification Scheme 2023. Collection method: clinical testing. Allele origin: germline.
Comment: The c.3396_3398delAGA variant (also known as p.E1132del) is located in coding exon 15 of the APC gene. This variant results from an in-frame AGA deletion at nucleotide positions 3396 to 3398. This results in the in-frame deletion of a glutamic acid at codon 1132. This amino acid position is not well conserved in available vertebrate species. In addition, this alteration is predicted to be neutral by in silico analysis (Choi Y et al. PLoS ONE. 2012; 7(10):e46688). Since supporting evidence is limited at this time, the clinical significance of this alteration remains unclear.